The following is an entry in ClinVar:

NM_014727.3(KMT2B):c.5923C>G (p.Pro1975Ala)

Gene: KMT2B (lysine methyltransferase 2B; plus strand). Cytogenetic location: 19q13.12.
Variant type: single nucleotide variant.
Coding change: c.5923C>G on transcript NM_014727.3 (MANE Select); coding-DNA position 5923, C replaced by G.
Protein change: p.Pro1975Ala; replaces proline 1975 with alanine.
Molecular consequence: missense variant.
Genome position (GRCh38, 1-based): chr19:35,732,472, C>G. VCF-style: chr19-35732472-C-G. GRCh37 (hg19) VCF-style: chr19-36223373-C-G.
Other names: short protein forms P1975A.
Identifiers: ClinVar variation 4822460 (VCV004822460.4).

ClinVar aggregate classification (germline): Uncertain significance (1 of 4 stars; one submission).

gnomAD v4.1: 1 of 1,613,794 alleles (0.000062%); highest among the groups gnomAD compares: Admixed American, 0.0017%; no homozygotes.

Submission:

CeGaT Center for Human Genetics Tuebingen
Classification: Uncertain significance. Last evaluated: 2026-01-01. Review status: criteria provided, single submitter. Criteria: CeGaT Center For Human Genetics Tuebingen Variant Classification Criteria Version 2. Collection method: clinical testing. Allele origin: germline. Affected: yes. Observed: 1 variant allele.
Comment: KMT2B: PM2